The following is an entry in ClinVar:

NM_031433.4(MFRP):c.796C>T (p.Arg266Cys)

Genes: C1QTNF5 (C1q and TNF related 5; minus strand), MFRP (membrane frizzled-related protein; minus strand). Cytogenetic location: 11q23.3.
Variant type: single nucleotide variant.
Coding change: c.796C>T on transcript NM_031433.4 (MANE Select); coding-DNA position 796, C replaced by T.
Protein change: p.Arg266Cys; replaces arginine 266 with cysteine.
Molecular consequence: missense variant. On other transcripts: 5 prime UTR variant (1).
Genome position (GRCh38, 1-based): chr11:119,344,734, G>A on the plus strand (C>T on the coding strand, the complement: MFRP is on the minus strand). VCF-style: chr11-119344734-G-A. GRCh37 (hg19) VCF-style: chr11-119215444-G-A.
Other names: c.-1841C>T (NM_015645.5); short protein forms R266C.
Identifiers: ClinVar variation 288043 (VCV000288043.17), dbSNP rs138295825, ClinGen allele CA6320385.

ClinVar aggregate classification (germline): Uncertain significance. Review status: criteria provided, multiple submitters, no conflicts (2 of 4 stars). 6 submissions from 5 submitters: Uncertain significance (6). Last evaluated 2025-12-08.

Conditions:
Inborn genetic diseases. Identifiers: MedGen C0950123, MeSH D030342.
Isolated microphthalmia 5. Also called: Posterior Microphthalmia with Retinitis Pigmentosa, Foveoschisis, and Optic Disc Drusen. Identifiers: Orphanet 251279, MedGen C1970236, MONDO:0012605, OMIM 611040.
Late-onset retinal degeneration (LORD). Also called: RETINAL DEGENERATION, LATE-ONSET, AUTOSOMAL DOMINANT. Identifiers: Orphanet 67042, MedGen C1854065, MONDO:0011579, OMIM 605670. Disease mechanism: loss of function.

Allele frequency attached by ClinVar (database versions not stated): ESP Exome Variant Server 0.00038; TOPMed 0.00007; 1000 Genomes Project 30x 0.00047; gnomAD 0.00019; 1000 Genomes Project 0.00060.
gnomAD v4.1: 134 of 1,613,996 alleles (0.0083%); highest among the groups gnomAD compares: African/African-American, 0.037%; no homozygotes.

Submissions (6):

Labcorp Genetics (formerly Invitae), Labcorp
Classification: Uncertain significance for Isolated microphthalmia 5. Last evaluated: 2025-12-08. Review status: criteria provided, single submitter. Criteria: Invitae Variant Classification Sherloc (09022015). Collection method: clinical testing. Allele origin: germline.
Comment: This sequence change replaces arginine, which is basic and polar, with cysteine, which is neutral and slightly polar, at codon 266 of the MFRP protein (p.Arg266Cys). This variant is present in population databases (rs138295825, gnomAD 0.06%). This variant has not been reported in the literature in individuals affected with MFRP-related conditions. ClinVar contains an entry for this variant (Variation ID: 288043). Invitae Evidence Modeling of protein sequence and biophysical properties (such as structural, functional, and spatial information, amino acid conservation, physicochemical variation, residue mobility, and thermodynamic stability) indicates that this missense variant is not expected to disrupt MFRP protein function with a negative predictive value of 80%. In summary, the available evidence is currently insufficient to determine the role of this variant in disease. Therefore, it has been classified as a Variant of Uncertain Significance.

Ambry Genetics
Classification: Uncertain significance for Inborn genetic diseases. Last evaluated: 2025-08-26. Review status: criteria provided, single submitter. Criteria: Ambry Variant Classification Scheme 2023. Collection method: clinical testing. Allele origin: germline.

Blueprint Genetics
Classification: Uncertain significance. Last evaluated: 2024-08-08. Review status: criteria provided, single submitter. Criteria: ACMG Guidelines, 2015. Collection method: clinical testing. Allele origin: germline.

Illumina Laboratory Services, Illumina
Classification: Uncertain significance for Late-onset retinal degeneration. Last evaluated: 2018-01-13. Review status: criteria provided, single submitter. Criteria: ICSL Variant Classification Criteria 13 December 2019. Collection method: clinical testing. Allele origin: germline.

Illumina Laboratory Services, Illumina
Classification: Uncertain significance for Isolated microphthalmia 5. Last evaluated: 2018-01-12. Review status: criteria provided, single submitter. Criteria: ICSL Variant Classification Criteria 13 December 2019. Collection method: clinical testing. Allele origin: germline.

Eurofins Ntd Llc (ga)
Classification: Uncertain significance. Last evaluated: 2016-05-18. Review status: criteria provided, single submitter. Criteria: EGL Classification Definitions 2015. Collection method: clinical testing. Allele origin: germline. Observed: 1 variant allele, 1 heterozygote.